The following is an entry in ClinVar:

NM_024809.5(TCTN2):c.485A>G (p.Asn162Ser)

Gene: TCTN2 (tectonic family member 2; plus strand). Cytogenetic location: 12q24.31.
Variant type: single nucleotide variant.
Coding change: c.485A>G on transcript NM_024809.5 (MANE Select); coding-DNA position 485, A replaced by G.
Protein change: p.Asn162Ser; replaces asparagine 162 with serine.
Molecular consequence: missense variant.
Genome position (GRCh38, 1-based): chr12:123,679,210, A>G. VCF-style: chr12-123679210-A-G. GRCh37 (hg19) VCF-style: chr12-124163757-A-G.
Other names: c.482A>G, p.Asn161Ser (NM_001143850.3); c.485A>G, p.Asn162Ser (NM_001410989.1); short protein forms N162S, N161S.
Identifiers: ClinVar variation 1979329 (VCV001979329.4), dbSNP rs377494742, ClinGen allele CA245189343.

ClinVar aggregate classification (germline): Uncertain significance (1 of 4 stars; one submission).

Conditions:
Joubert syndrome. Also called: CEREBELLOPARENCHYMAL DISORDER IV; JOUBERT-BOLTSHAUSER SYNDROME; Familial aplasia of the vermis. Identifiers: Orphanet 475, MedGen C5979921, MONDO:0018772.
Meckel-Gruber syndrome. Also called: DYSENCEPHALIA SPLANCHNOCYSTICA; GRUBER SYNDROME; Dysencephalia splachnocystica. Identifiers: Orphanet 564, MedGen C0265215, MONDO:0018921.

Allele frequency attached by ClinVar (database versions not stated): gnomAD exomes below 0.00001.
gnomAD v4.1: 2 of 1,614,036 alleles (0.00012%); highest among the groups gnomAD compares: African/African-American, 0.0013%; no homozygotes.

Submission:

Labcorp Genetics (formerly Invitae), Labcorp
Classification: Uncertain significance for Joubert syndrome; Meckel-Gruber syndrome. Last evaluated: 2025-06-16. Review status: criteria provided, single submitter. Criteria: Invitae Variant Classification Sherloc (09022015). Collection method: clinical testing. Allele origin: germline.
Comment: This sequence change replaces asparagine, which is neutral and polar, with serine, which is neutral and polar, at codon 162 of the TCTN2 protein (p.Asn162Ser). This variant is not present in population databases (gnomAD no frequency). This variant has not been reported in the literature in individuals affected with TCTN2-related conditions. ClinVar contains an entry for this variant (Variation ID: 1979329). An algorithm developed to predict the effect of missense changes on protein structure and function outputs the following: PolyPhen-2: "Benign". The serine amino acid residue is found in multiple mammalian species, which suggests that this missense change does not adversely affect protein function. In summary, the available evidence is currently insufficient to determine the role of this variant in disease. Therefore, it has been classified as a Variant of Uncertain Significance.